The following is an entry in ClinVar:

ClinVar aggregate classification (germline): Likely benign. Review status: criteria provided, multiple submitters, no conflicts (2 of 4 stars). 5 submissions from 5 submitters: Likely benign (5). Last evaluated 2026-05-06.

Conditions:
Familial thoracic aortic aneurysm and aortic dissection (TAAD). Also called: Thoracic aortic aneurysms and dissections. Identifiers: Orphanet 91387, MedGen C4707243, MONDO:0019625.
Ehlers-Danlos syndrome, classic type, 1 (EDSCL1). Also called: EDS I; EHLERS-DANLOS SYNDROME, GRAVIS TYPE; EHLERS-DANLOS SYNDROME, SEVERE CLASSIC TYPE; Ehlers-Danlos Syndrome, Classic Type, COL5A1-Related; Ehlers-Danlos syndrome, type 1. Identifiers: MedGen C0268335, MONDO:0019567, OMIM 130000.

Allele frequency attached by ClinVar (database versions not stated): gnomAD exomes 0.00002.
gnomAD v4.1: 78 of 1,551,416 alleles (0.005%); highest among the groups gnomAD compares: Non-Finnish European, 0.0068%; no homozygotes.

Submissions (5):

Women's Health and Genetics/Laboratory Corporation of America, LabCorp
Classification: Likely benign. Last evaluated: 2026-05-06. Review status: criteria provided, single submitter. Criteria: LabCorp Variant Classification Summary - May 2015. Collection method: clinical testing. Allele origin: germline.

Labcorp Genetics (formerly Invitae), Labcorp
Classification: Likely benign for Ehlers-Danlos syndrome, classic type, 1. Last evaluated: 2025-11-22. Review status: criteria provided, single submitter. Criteria: Invitae Variant Classification Sherloc (09022015). Collection method: clinical testing. Allele origin: germline.

Mayo Clinic Laboratories, Mayo Clinic
Classification: Likely benign. Last evaluated: 2025-09-29. Review status: criteria provided, single submitter. Criteria: ACMG Guidelines, 2015. Collection method: clinical testing. Allele origin: germline. Observed: 1 variant allele.
Comment: BP4, BP7, PM2_supporting

Ambry Genetics
Classification: Likely benign for Familial thoracic aortic aneurysm and aortic dissection. Last evaluated: 2025-04-23. Review status: criteria provided, single submitter. Criteria: Ambry Variant Classification Scheme 2023. Collection method: clinical testing. Allele origin: germline.

Blueprint Genetics
Classification: Likely benign. Last evaluated: 2024-03-02. Review status: criteria provided, single submitter. Criteria: ACMG Guidelines, 2015. Collection method: clinical testing. Allele origin: germline.

NM_000093.5(COL5A1):c.3975C>T (p.Pro1325=)

Gene: COL5A1 (collagen type V alpha 1 chain; plus strand). Cytogenetic location: 9q34.3.
Variant type: single nucleotide variant.
Coding change: c.3975C>T on transcript NM_000093.5 (MANE Select); coding-DNA position 3975, C replaced by T.
Protein change: p.Pro1325=; no amino-acid change (proline 1325 retained).
Molecular consequence: synonymous variant.
Genome position (GRCh38, 1-based): chr9:134,814,865, C>T. VCF-style: chr9-134814865-C-T. GRCh37 (hg19) VCF-style: chr9-137706711-C-T.
Other names: p.Pro1325=; c.3975C>T (NM_000093.3); c.3975C>T, p.Pro1325= (NM_001278074.1).
Identifiers: ClinVar variation 700999 (VCV000700999.16), dbSNP rs951777673, ClinGen allele CA201090846.
Genomic context (GRCh38, chr9:134,814,865, plus strand): 5'-AGGAGAAAGGGGAGAGAAGGGCGAGTCAGGCCCTTCAGGTGCTGCCGGACCCCCTGGACC[C>T]AAAGGCCCTCCCGGAGATGATGGTCCCAAAGGCAGCCCTGTGAGTATTCCAGACACACCT-3'
Protein context (NP_000084.3, residues 1315-1335): GPSGAAGPPG[Pro1325=]KGPPGDDGPK